The following is an entry in ClinVar:

ClinVar aggregate classification (germline): Uncertain significance. Review status: criteria provided, multiple submitters, no conflicts (2 of 4 stars). 3 submissions from 3 submitters: Uncertain significance (3). Last evaluated 2025-08-14.

Conditions:
Inborn genetic diseases. Identifiers: MedGen C0950123, MeSH D030342.
Brown-Vialetto-van Laere syndrome 1. Also called: BROWN-VIALETTO-VAN LAERE SYNDROME 1, MILD; PONTOBULBAR PALSY WITH DEAFNESS; BULBAR PALSY, PROGRESSIVE, WITH SENSORINEURAL DEAFNESS. Identifiers: Orphanet 572550, Orphanet 97229, MedGen C0796274, MONDO:0024537, OMIM 211530.

Allele frequency attached by ClinVar (database versions not stated): gnomAD exomes 0.00002; TOPMed 0.00003; ExAC 0.00003.

Submissions (3):

Ambry Genetics
Classification: Uncertain significance for Inborn genetic diseases. Last evaluated: 2025-08-14. Review status: criteria provided, single submitter. Criteria: Ambry Variant Classification Scheme 2023. Collection method: clinical testing. Allele origin: germline.

Labcorp Genetics (formerly Invitae), Labcorp
Classification: Uncertain significance for Brown-Vialetto-van Laere syndrome 1. Last evaluated: 2021-04-10. Review status: criteria provided, single submitter. Criteria: Invitae Variant Classification Sherloc (09022015). Collection method: clinical testing. Allele origin: germline.
Comment: This variant is present in population databases (rs751913684, ExAC 0.01%). This sequence change replaces methionine with leucine at codon 32 of the SLC52A3 protein (p.Met32Leu). The methionine residue is weakly conserved and there is a small physicochemical difference between methionine and leucine. This variant has not been reported in the literature in individuals with SLC52A3-related conditions. ClinVar contains an entry for this variant (Variation ID: 517656). Algorithms developed to predict the effect of missense changes on protein structure and function (SIFT, PolyPhen-2, Align-GVGD) all suggest that this variant is likely to be tolerated, but these predictions have not been confirmed by published functional studies and their clinical significance is uncertain. In summary, the available evidence is currently insufficient to determine the role of this variant in disease. Therefore, it has been classified as a Variant of Uncertain Significance.

Laboratory for Molecular Medicine, Mass General Brigham Personalized Medicine
Classification: Uncertain significance. Last evaluated: 2017-12-14. Review status: criteria provided, single submitter. Criteria: LMM Criteria. Collection method: clinical testing. Allele origin: germline. Observed: 1 variant allele.
Comment: The p.Met32Leu variant in SLC52A3 has not been previously reported in individual s with hearing loss, but has been identified in 2/109374 European chromosomes by the Genome Aggregation Database (gnomAD; dbSN P rs751913684). Although this variant has been seen in the general population, i ts frequency is not high enough to rule out a pathogenic role. Computational pre diction tools and conservation analysis suggest that the variant may not impact the protein, though this information is not predictive enough to rule out pathog enicity. In summary, the clinical significance of the p.Met32Leu variant is unce rtain. ACMG/AMP Criteria applied: PM2; BP4.

NM_033409.4(SLC52A3):c.94A>T (p.Met32Leu)

Gene: SLC52A3 (solute carrier family 52 member 3; minus strand). Cytogenetic location: 20p13.
Variant type: single nucleotide variant.
Coding change: c.94A>T on transcript NM_033409.4 (MANE Select); coding-DNA position 94, A replaced by T.
Protein change: p.Met32Leu; replaces methionine 32 with leucine.
Molecular consequence: missense variant.
Genome position (GRCh38, 1-based): chr20:765,681, T>A on the plus strand (A>T on the coding strand, the complement: SLC52A3 is on the minus strand). VCF-style: chr20-765681-T-A. GRCh37 (hg19) VCF-style: chr20-746325-T-A.
Other names: c.94A>T, p.Met32Leu (NM_001370085.1, NM_001370086.1); short protein forms M32L.
Identifiers: ClinVar variation 517656 (VCV000517656.12), dbSNP rs751913684, ClinGen allele CA9724832.